The following is an entry in ClinVar:

NM_020166.5(MCCC1):c.156C>A (p.Val52=)

Gene: MCCC1 (methylcrotonyl-CoA carboxylase subunit 1; minus strand). Cytogenetic location: 3q27.1.
Variant type: single nucleotide variant.
Coding change: c.156C>A on transcript NM_020166.5 (MANE Select); coding-DNA position 156, C replaced by A.
Protein change: p.Val52=; no amino-acid change (valine 52 retained).
Molecular consequence: synonymous variant. On other transcripts: non-coding transcript variant (1), intron variant (2).
Genome position (GRCh38, 1-based): chr3:183,092,526, G>T on the plus strand (C>A on the coding strand, the complement: MCCC1 is on the minus strand). VCF-style: chr3-183092526-G-T. GRCh37 (hg19) VCF-style: chr3-182810314-G-T.
Other names: c.-55+2033C>A (NM_001363880.1); c.44+2033C>A (NM_001293273.2).
Identifiers: ClinVar variation 95942 (VCV000095942.7), dbSNP rs398124353, ClinGen allele CA223560.
Genomic context (GRCh38, chr3:183,092,526, plus strand): 5'-ACCCAGTTTTTTGGCTGTGCGCATCACCCTGCAGGCAATTTCTCCTCTGTTTGCAATGAG[G>T]ACCTTGGTAATGTTTCTTCCTGTTTAAAACACCATGAAAATCACACAGAAATGTTACTGG-3'
Protein context (NP_064551.3, residues 42-62): TTATGRNITK[Val52=]LIANRGEIAC

ClinVar aggregate classification (germline): Conflicting classifications of pathogenicity. Review status: criteria provided, conflicting classifications (1 of 4 stars). 2 submissions from 2 submitters: Uncertain significance (1); Likely benign (1). Last evaluated 2018-05-11.

Allele frequency attached by ClinVar (database versions not stated): gnomAD exomes below 0.00001.
gnomAD v4.1: 1 of 1,614,154 alleles (0.000062%); highest among the groups gnomAD compares: Non-Finnish European, 0.000085%; no homozygotes.

Submissions (2):

GeneDx
Classification: Likely benign. Last evaluated: 2018-05-11. Review status: criteria provided, single submitter. Criteria: GeneDx Variant Classification (06012015). Collection method: clinical testing. Allele origin: germline. Affected: yes.
Comment: This variant is considered likely benign or benign based on one or more of the following criteria: it is a conservative change, it occurs at a poorly conserved position in the protein, it is predicted to be benign by multiple in silico algorithms, and/or has population frequency not consistent with disease.

Eurofins Ntd Llc (ga)
Classification: Uncertain significance. Last evaluated: 2017-11-09. Review status: criteria provided, single submitter. Criteria: EGL Classification Definitions 2015. Collection method: clinical testing. Allele origin: germline. Observed: 1 variant allele, 1 heterozygote.